The following is an entry in ClinVar:

NM_001136191.3(KANK2):c.1945C>T (p.Arg649Trp)

Gene: KANK2 (KN motif and ankyrin repeat domains 2; minus strand). Cytogenetic location: 19p13.2.
Variant type: single nucleotide variant.
Coding change: c.1945C>T on transcript NM_001136191.3 (MANE Select); coding-DNA position 1945, C replaced by T.
Protein change: p.Arg649Trp; replaces arginine 649 with tryptophan.
Molecular consequence: missense variant.
Genome position (GRCh38, 1-based): chr19:11,174,596, G>A on the plus strand (C>T on the coding strand, the complement: KANK2 is on the minus strand). VCF-style: chr19-11174596-G-A. GRCh37 (hg19) VCF-style: chr19-11285272-G-A.
Other names: c.1945C>T, p.Arg649Trp (NM_001329451.2, NM_001379558.1, NM_001379559.1 and 7 more transcripts); c.1969C>T, p.Arg657Trp (NM_015493.7, NM_001379548.1, NM_001379549.1 and 5 more transcripts); c.1969C>T (NM_015493.6); short protein forms R657W, R649W.
Identifiers: ClinVar variation 2958996 (VCV002958996.4), dbSNP rs769161842, ClinGen allele CA9205450.

ClinVar aggregate classification (germline): Uncertain significance. Review status: criteria provided, multiple submitters, no conflicts (2 of 4 stars). 2 submissions from 2 submitters: Uncertain significance (2). Last evaluated 2023-10-22.

Allele frequency attached by ClinVar (database versions not stated): gnomAD 0.00003; gnomAD exomes 0.00003; ExAC 0.00005; TOPMed 0.00005.
gnomAD v4.1: 50 of 1,612,896 alleles (0.0031%); highest among the groups gnomAD compares: Non-Finnish European, 0.0037%; no homozygotes.

Submissions (2):

Labcorp Genetics (formerly Invitae), Labcorp
Classification: Uncertain significance. Last evaluated: 2023-10-22. Review status: criteria provided, single submitter. Criteria: Invitae Variant Classification Sherloc (09022015). Collection method: clinical testing. Allele origin: germline.
Comment: This sequence change replaces arginine, which is basic and polar, with tryptophan, which is neutral and slightly polar, at codon 649 of the KANK2 protein (p.Arg649Trp). This variant is present in population databases (rs769161842, gnomAD 0.006%). This variant has not been reported in the literature in individuals affected with KANK2-related conditions. An algorithm developed to predict the effect of missense changes on protein structure and function (PolyPhen-2) suggests that this variant is likely to be disruptive. In summary, the available evidence is currently insufficient to determine the role of this variant in disease. Therefore, it has been classified as a Variant of Uncertain Significance.

Ambry Genetics
Classification: Uncertain significance. Last evaluated: 2023-10-06. Review status: criteria provided, single submitter. Criteria: Ambry Variant Classification Scheme 2023. Collection method: clinical testing. Allele origin: germline.